The following is an entry in ClinVar:

NM_001797.4(CDH11):c.174C>T (p.Asn58=)

Gene: CDH11 (cadherin 11; minus strand). Cytogenetic location: 16q21.
Variant type: single nucleotide variant.
Coding change: c.174C>T on transcript NM_001797.4 (MANE Select); coding-DNA position 174, C replaced by T.
Protein change: p.Asn58=; no amino-acid change (asparagine 58 retained).
Molecular consequence: synonymous variant. On other transcripts: intron variant (1).
Genome position (GRCh38, 1-based): chr16:65,004,696, G>A on the plus strand (C>T on the coding strand, the complement: CDH11 is on the minus strand). VCF-style: chr16-65004696-G-A. GRCh37 (hg19) VCF-style: chr16-65038599-G-A.
Other names: c.-150-5840C>T (NM_001330576.2); c.174C>T, p.Asn58= (NM_001308392.2).
Identifiers: ClinVar variation 4872302 (VCV004872302.2).
Genomic context (GRCh38, chr16:65,004,696, plus strand): 5'-CCTTACCCTGCCCACAAGCACGGGGTCAGGCCCGGTGTACTCCTCTATCACGAAGAACTG[G>A]TTCCAGACCCAGCCACGCTTGGAGCGCTGTAGCACCTGCCCCTCCTTGCCCTTCTCATGG-3'
Protein context (NP_001788.2, residues 48-68): LQRSKRGWVW[Asn58=]QFFVIEEYTG

ClinVar aggregate classification (germline): Likely benign (1 of 4 stars; one submission).

gnomAD v4.1: 9 of 1,613,872 alleles (0.00056%); highest among the groups gnomAD compares: African/African-American, 0.0027%; no homozygotes.

Submission:

CeGaT Center for Human Genetics Tuebingen
Classification: Likely benign. Last evaluated: 2026-06-01. Review status: criteria provided, single submitter. Criteria: CeGaT Center For Human Genetics Tuebingen Variant Classification Criteria Version 2. Collection method: clinical testing. Allele origin: germline. Affected: yes. Observed: 1 variant allele.
Comment: CDH11: BP4, BP7